The following is an entry in ClinVar:

NM_025074.7(FRAS1):c.5370C>G (p.Tyr1790Ter)

Gene: FRAS1 (Fraser extracellular matrix complex subunit 1; plus strand). Cytogenetic location: 4q21.21.
Variant type: single nucleotide variant.
Coding change: c.5370C>G on transcript NM_025074.7 (MANE Select); coding-DNA position 5370, C replaced by G.
Protein change: p.Tyr1790Ter; replaces tyrosine 1790 with a stop codon.
Molecular consequence: nonsense.
Genome position (GRCh38, 1-based): chr4:78,438,905, C>G. VCF-style: chr4-78438905-C-G. GRCh37 (hg19) VCF-style: chr4-79360059-C-G.
Other names: c.5370C>G, p.Tyr1790Ter (NM_001166133.2); short protein forms Y1790*.
Identifiers: ClinVar variation 623172 (VCV000623172.4), dbSNP rs757311669, ClinGen allele CA2977501.
Genomic context (GRCh38, chr4:78,438,905, plus strand): 5'-GTCTTACCTGGCTTGTCATCGTGGCTTATTCATTTGATTCTTTTTGTTTTTTTATAGATA[C>G]TCAGCTGTGTTTGAAACTGATGGTCATCTGGTTACTGATAGCTTCTATTTCTCTGTCTCT-3'

ClinVar aggregate classification (germline): Pathogenic/Likely pathogenic. Review status: criteria provided, multiple submitters, no conflicts (2 of 4 stars). 2 submissions from 2 submitters: Pathogenic (1); Likely pathogenic (1). Last evaluated 2024-02-17.

Conditions:
Fraser syndrome 1 (FRASRS1). Also called: CRYPTOPHTHALMOS WITH OTHER MALFORMATIONS. Identifiers: Orphanet 2052, MedGen C4551480, MONDO:0054737, OMIM 219000.

Allele frequency attached by ClinVar (database versions not stated): gnomAD exomes 0.00001 and 0.00003; ExAC 0.00003.
gnomAD v4.1: 15 of 1,604,300 alleles (0.00093%); highest among the groups gnomAD compares: South Asian, 0.016%; no homozygotes.

Submissions (2):

Labcorp Genetics (formerly Invitae), Labcorp
Classification: Pathogenic. Last evaluated: 2024-02-17. Review status: criteria provided, single submitter. Criteria: Invitae Variant Classification Sherloc (09022015). Collection method: clinical testing. Allele origin: germline.
Comment: This sequence change creates a premature translational stop signal (p.Tyr1790*) in the FRAS1 gene. It is expected to result in an absent or disrupted protein product. Loss-of-function variants in FRAS1 are known to be pathogenic (PMID: 12766769, 18671281). This variant is present in population databases (rs757311669, gnomAD 0.03%). This variant has not been reported in the literature in individuals affected with FRAS1-related conditions. ClinVar contains an entry for this variant (Variation ID: 623172). For these reasons, this variant has been classified as Pathogenic.

Molecular Diagnostics Laboratory, M Health Fairview: University of Minnesota
Classification: Likely pathogenic for Fraser syndrome 1. Last evaluated: 2017-11-21. Review status: criteria provided, single submitter. Criteria: ACMG Guidelines, 2015. Collection method: clinical testing. Allele origin: germline. Affected: yes. Observed: 1 variant allele.

Literature cited by the submitters: PubMed 12766769 (cited by Labcorp Genetics (formerly Invitae), Labcorp); PubMed 18671281 (cited by Labcorp Genetics (formerly Invitae), Labcorp).